The following is an entry in ClinVar:

NC_000009.12:g.(?_137743351)_(137744110_?)dup

Gene: EHMT1 (euchromatic histone lysine methyltransferase 1; plus strand). Cytogenetic location: 9q34.3.
Variant type: Duplication.
Identifiers: ClinVar variation 831964 (VCV000831964.7).

ClinVar aggregate classification (germline): Likely pathogenic (1 of 4 stars; one submission).

Conditions:
Kleefstra syndrome 1 (KLEFS1). Identifiers: Orphanet 261494, MedGen C0795833, MONDO:0027407, OMIM 610253.

Submission:

Labcorp Genetics (formerly Invitae), Labcorp
Classification: Likely pathogenic for Kleefstra syndrome 1. Last evaluated: 2023-08-16. Review status: criteria provided, single submitter. Criteria: Invitae Variant Classification Sherloc (09022015). Collection method: clinical testing. Allele origin: germline.
Comment: In summary, the currently available evidence indicates that the variant is pathogenic, but additional data are needed to prove that conclusively. Therefore, this variant has been classified as Likely Pathogenic. This variant results in a copy number gain of the genomic region encompassing exon(s) 5-6 of the EHMT1 gene. While the exact position of this variant cannot be determined from the data, sub-genic copy number gains are generally in tandem (PMID: 25640679). This variant is predicted to be out-of-frame, and may result in an absent or disrupted protein product. Loss-of-function variants in EHMT1 are known to be pathogenic (PMID: 16826528, 19264732). This variant has not been reported in the literature in individuals affected with EHMT1-related conditions.

Literature cited by the submitters: PubMed 25640679; PubMed 16826528; PubMed 19264732.